The following is an entry in ClinVar:

NM_024312.5(GNPTAB):c.2854A>G (p.Lys952Glu)

Gene: GNPTAB (N-acetylglucosamine-1-phosphate transferase subunits alpha and beta; minus strand). Cytogenetic location: 12q23.2.
Variant type: single nucleotide variant.
Coding change: c.2854A>G on transcript NM_024312.5 (MANE Select); coding-DNA position 2854, A replaced by G.
Protein change: p.Lys952Glu; replaces lysine 952 with glutamic acid.
Molecular consequence: missense variant.
Genome position (GRCh38, 1-based): chr12:101,761,625, T>C on the plus strand (A>G on the coding strand, the complement: GNPTAB is on the minus strand). VCF-style: chr12-101761625-T-C. GRCh37 (hg19) VCF-style: chr12-102155403-T-C.
Other names: p.Lys952Glu; short protein forms K952E.
Identifiers: ClinVar variation 4541739 (VCV004541739.1).

ClinVar aggregate classification (germline): Uncertain significance (1 of 4 stars; one submission).

gnomAD v4.1: 1 of 1,614,196 alleles (0.000062%); highest among the groups gnomAD compares: Admixed American, 0.0017%; no homozygotes.

Submission:

Mayo Clinic Laboratories, Mayo Clinic
Classification: Uncertain significance. Last evaluated: 2025-10-15. Review status: criteria provided, single submitter. Criteria: ACMG Guidelines, 2015. Collection method: clinical testing. Allele origin: germline. Observed: 1 variant allele.
Comment: PP3_moderate, PM2_supporting